The following is an entry in ClinVar:

ClinVar aggregate classification (germline): Uncertain significance (1 of 4 stars; one submission).

Submission:

GeneDx
Classification: Uncertain significance. Last evaluated: 2020-06-11. Review status: criteria provided, single submitter. Criteria: GeneDx Variant Classification Process June 2021. Collection method: clinical testing. Allele origin: germline. Affected: yes.
Comment: Not observed in large population cohorts (Lek et al., 2016); In silico analysis supports that this missense variant has a deleterious effect on protein structure/function; Has not been previously published as pathogenic or benign to our knowledge

NM_001110556.2(FLNA):c.676C>G (p.Arg226Gly)

Gene: FLNA (filamin A; minus strand). Cytogenetic location: Xq28.
Variant type: single nucleotide variant.
Coding change: c.676C>G on transcript NM_001110556.2 (MANE Select); coding-DNA position 676, C replaced by G.
Protein change: p.Arg226Gly; replaces arginine 226 with glycine.
Molecular consequence: missense variant.
Genome position (GRCh38, 1-based): chrX:154,367,685, G>C on the plus strand (C>G on the coding strand, the complement: FLNA is on the minus strand). VCF-style: chrX-154367685-G-C. GRCh37 (hg19) VCF-style: chrX-153596053-G-C.
Other names: c.676C>G, p.Arg226Gly (NM_001456.4); short protein forms R226G.
Identifiers: ClinVar variation 1303890 (VCV001303890.2), dbSNP rs1569551861, ClinGen allele CA415248832.